The following is an entry in ClinVar:

ClinVar aggregate classification (germline): Uncertain significance (1 of 4 stars; one submission).

Conditions:
Inborn genetic diseases. Identifiers: MedGen C0950123, MeSH D030342.

gnomAD v4.1: 7 of 1,612,550 alleles (0.00043%); highest among the groups gnomAD compares: Non-Finnish European, 0.00059%; no homozygotes.

Submission:

Ambry Genetics
Classification: Uncertain significance for Inborn genetic diseases. Last evaluated: 2025-10-27. Review status: criteria provided, single submitter. Criteria: Ambry Variant Classification Scheme 2023. Collection method: clinical testing. Allele origin: germline.
Comment: The p.L1079F variant (also known as c.3235C>T), located in coding exon 31 of the RTEL1 gene, results from a C to T substitution at nucleotide position 3235. The leucine at codon 1079 is replaced by phenylalanine, an amino acid with highly similar properties. This amino acid position is conserved. In addition, this alteration is predicted to be tolerated by in silico analysis. Based on the available evidence, the clinical significance of this variant remains unclear.

NM_001283009.2(RTEL1):c.3235C>T (p.Leu1079Phe)

Genes: RTEL1 (regulator of telomere elongation helicase 1; plus strand), RTEL1-TNFRSF6B (RTEL1-TNFRSF6B readthrough (NMD candidate); plus strand). Cytogenetic location: 20q13.33.
Variant type: single nucleotide variant.
Coding change: c.3235C>T on transcript NM_001283009.2 (MANE Select); coding-DNA position 3235, C replaced by T.
Protein change: p.Leu1079Phe; replaces leucine 1079 with phenylalanine.
Molecular consequence: missense variant. On other transcripts: non-coding transcript variant (1).
Genome position (GRCh38, 1-based): chr20:63,694,866, C>T. VCF-style: chr20-63694866-C-T. GRCh37 (hg19) VCF-style: chr20-62326219-C-T.
Other names: c.2566C>T, p.Leu856Phe (NM_001283010.1); c.3235C>T, p.Leu1079Phe (NM_016434.4); c.3307C>T, p.Leu1103Phe (NM_032957.5); short protein forms L856F, L1079F, L1103F.
Identifiers: ClinVar variation 4629574 (VCV004629574.1).